The following is an entry in ClinVar:

NM_001206927.2(DNAH8):c.11419A>G (p.Asn3807Asp)

Genes: DNAH8 (dynein axonemal heavy chain 8; plus strand), DNAH8-AS1 (DNAH8 antisense RNA 1; minus strand). Cytogenetic location: 6p21.2.
Variant type: single nucleotide variant.
Coding change: c.11419A>G on transcript NM_001206927.2 (MANE Select); coding-DNA position 11419, A replaced by G.
Protein change: p.Asn3807Asp; replaces asparagine 3807 with aspartic acid.
Molecular consequence: missense variant.
Genome position (GRCh38, 1-based): chr6:38,931,955, A>G. VCF-style: chr6-38931955-A-G. GRCh37 (hg19) VCF-style: chr6-38899731-A-G.
Other names: c.10768A>G, p.Asn3590Asp (NM_001371.4); short protein forms N3807D, N3590D.
Identifiers: ClinVar variation 660774 (VCV000660774.8), dbSNP rs368737192, ClinGen allele CA3791040.
Genomic context (GRCh38, chr6:38,931,955, plus strand): 5'-CCAGAGATTAATGCTAAAACGTCAGTCATTGATTTCACTGTTACAATGAAAGGACTTGAG[A>G]ATCAGTTACTAAGGAGAGTCATTCTAACAGAGAAACAGGTAATCTCTCTCTCAAGGTAAA-3'
Protein context (NP_001193856.1, residues 3797-3817): DFTVTMKGLE[Asn3807Asp]QLLRRVILTE

ClinVar aggregate classification (germline): Uncertain significance. Review status: criteria provided, multiple submitters, no conflicts (2 of 4 stars). 2 submissions from 2 submitters: Uncertain significance (2). Last evaluated 2022-03-13.

Conditions:
Primary ciliary dyskinesia. Also called: Ciliary dyskinesia. Identifiers: Orphanet 244, MedGen C0008780, MONDO:0016575, HP:0012265.

Allele frequency attached by ClinVar (database versions not stated): gnomAD exomes 0.00001 and 0.00005; ExAC 0.00002; TOPMed 0.00004; gnomAD 0.00005; ESP Exome Variant Server 0.00015.
gnomAD v4.1: 84 of 1,608,620 alleles (0.0052%); highest among the groups gnomAD compares: Non-Finnish European, 0.0068%; no homozygotes.

Submissions (2):

Labcorp Genetics (formerly Invitae), Labcorp
Classification: Uncertain significance for Primary ciliary dyskinesia. Last evaluated: 2022-03-13. Review status: criteria provided, single submitter. Criteria: Invitae Variant Classification Sherloc (09022015). Collection method: clinical testing. Allele origin: germline.
Comment: This sequence change replaces asparagine, which is neutral and polar, with aspartic acid, which is acidic and polar, at codon 3807 of the DNAH8 protein (p.Asn3807Asp). In summary, the available evidence is currently insufficient to determine the role of this variant in disease. Therefore, it has been classified as a Variant of Uncertain Significance. Algorithms developed to predict the effect of missense changes on protein structure and function are either unavailable or do not agree on the potential impact of this missense change (SIFT: "Deleterious"; PolyPhen-2: "Not Available"; Align-GVGD: "Class C0"). ClinVar contains an entry for this variant (Variation ID: 660774). This variant has not been reported in the literature in individuals affected with DNAH8-related conditions. This variant is present in population databases (rs368737192, gnomAD 0.002%).

Ambry Genetics
Classification: Uncertain significance. Last evaluated: 2021-07-13. Review status: criteria provided, single submitter. Criteria: Ambry Variant Classification Scheme 2023. Collection method: clinical testing. Allele origin: germline.